The following is an entry in ClinVar:

ClinVar aggregate classification (germline): Conflicting classifications of pathogenicity. Review status: criteria provided, conflicting classifications (1 of 4 stars). 7 submissions from 7 submitters: Uncertain significance (1); Likely benign (6). Last evaluated 2025-12-30.

Conditions:
Ehlers-Danlos syndrome (EDS). Identifiers: Orphanet 98249, MedGen C0013720, MONDO:0020066.
Cardiovascular phenotype. Identifiers: MedGen CN230736.

Allele frequency attached by ClinVar (database versions not stated): gnomAD exomes 0.00004 and 0.00007; TOPMed 0.00004; gnomAD 0.00008 and 0.00009.
gnomAD v4.1: 106 of 1,550,234 alleles (0.0068%); highest among the groups gnomAD compares: Non-Finnish European, 0.0085%; no homozygotes.

Submissions (7):

Labcorp Genetics (formerly Invitae), Labcorp
Classification: Likely benign. Last evaluated: 2025-12-30. Review status: criteria provided, single submitter. Criteria: Invitae Variant Classification Sherloc (09022015). Collection method: clinical testing. Allele origin: germline.

CeGaT Center for Human Genetics Tuebingen
Classification: Likely benign. Last evaluated: 2025-09-01. Review status: criteria provided, single submitter. Criteria: CeGaT Center For Human Genetics Tuebingen Variant Classification Criteria Version 2. Collection method: clinical testing. Allele origin: germline. Affected: yes. Observed: 1 variant allele.
Comment: ZNF469: BP4, BP7

Women's Health and Genetics/Laboratory Corporation of America, LabCorp
Classification: Likely benign. Last evaluated: 2025-07-15. Review status: criteria provided, single submitter. Criteria: LabCorp Variant Classification Summary - May 2015. Collection method: clinical testing. Allele origin: germline.

Mayo Clinic Laboratories, Mayo Clinic
Classification: Likely benign. Last evaluated: 2025-02-24. Review status: criteria provided, single submitter. Criteria: ACMG Guidelines, 2015. Collection method: clinical testing. Allele origin: germline. Observed: 2 variant alleles.
Comment: BP4, BP7

Ambry Genetics
Classification: Likely benign for Cardiovascular phenotype. Last evaluated: 2020-05-28. Review status: criteria provided, single submitter. Criteria: Ambry Variant Classification Scheme 2023. Collection method: clinical testing. Allele origin: germline.

Genome Diagnostics Laboratory, The Hospital for Sick Children
Classification: Uncertain significance for Ehlers-Danlos syndrome. Last evaluated: 2019-10-01. Review status: criteria provided, single submitter. Criteria: ACMG Guidelines, 2015. Collection method: clinical testing. Allele origin: germline.

GeneDx
Classification: Likely benign. Last evaluated: 2019-07-10. Review status: criteria provided, single submitter. Criteria: GeneDx Variant Classification Process June 2021. Collection method: clinical testing. Allele origin: germline. Affected: yes.

NM_001367624.2(ZNF469):c.5643C>T (p.Pro1881=)

Gene: ZNF469 (zinc finger protein 469; plus strand). Cytogenetic location: 16q24.2.
Variant type: single nucleotide variant.
Coding change: c.5643C>T on transcript NM_001367624.2 (MANE Select); coding-DNA position 5643, C replaced by T.
Protein change: p.Pro1881=; no amino-acid change (proline 1881 retained).
Molecular consequence: synonymous variant.
Genome position (GRCh38, 1-based): chr16:88,433,113, C>T. VCF-style: chr16-88433113-C-T. GRCh37 (hg19) VCF-style: chr16-88499521-C-T.
Other names: NM_001127464.1:c.5559C>T; NM_001127464.2:c.5559C>T; p.Pro1881=.
Identifiers: ClinVar variation 1219907 (VCV001219907.25), dbSNP rs539613654, ClinGen allele CA286380775.
Genomic context (GRCh38, chr16:88,433,113, plus strand): 5'-GGCCTCCTCACTGACTGCCCCCCGGGGCAGGGAGGCTTGGTTGGTCCCTGTGCCAAGTCC[C>T]GCCTGTGTATCCAACACCCACCCTAGCAGGAGGTCCCAGGACCCAGCTTTGAGCCCCCCC-3'
Protein context (NP_001354553.1, residues 1871-1891): REAWLVPVPS[Pro1881=]ACVSNTHPSR